The following is an entry in ClinVar:

NC_000015.10:g.(?_42359500)_(42412317_?)del

Genes: CAPN3 (calpain 3; plus strand), LOC126862115 (BRD4-independent group 4 enhancer GRCh37_chr15:42677734-42678933; plus strand), LOC130056920 (ATAC-STARR-seq lymphoblastoid active region 9299; plus strand), LOC130056921 (ATAC-STARR-seq lymphoblastoid active region 9300; plus strand). Cytogenetic location: 15q15.1.
Variant type: Deletion.
Identifiers: ClinVar variation 468637 (VCV000468637.1).

ClinVar aggregate classification (germline): Pathogenic (1 of 4 stars; one submission).

Conditions:
Autosomal recessive limb-girdle muscular dystrophy type 2A (LGMDR1). Also called: LEYDEN-MOEBIUS MUSCULAR DYSTROPHY; MUSCULAR DYSTROPHY, PELVOFEMORAL; Limb-girdle muscular dystrophy, type 2A; Calpainopathy; Muscular dystrophy, limb-girdle, type 2A, Amish. Identifiers: Orphanet 267, MedGen C1869123, MONDO:0009675, OMIM 253600. Disease mechanism: loss of function.

Submission:

Labcorp Genetics (formerly Invitae), Labcorp
Classification: Pathogenic for Autosomal recessive limb-girdle muscular dystrophy type 2A. Last evaluated: 2016-05-23. Review status: criteria provided, single submitter. Criteria: Invitae Variant Classification Sherloc (09022015). Collection method: clinical testing. Allele origin: germline.
Comment: A gross deletion of the genomic region encompassing the full coding sequence of the CAPN3 gene has been identified. The boundaries of this event are unknown as the deletion extends beyond the assayed region for this gene and therefore may encompass additional genes. Gross deletions in CAPN3 are known to be pathogenic (PMID: 10330340, 25987458), and a similar deletion encompassing the entire gene has been previously reported in an affected individual (PMID: 24715573). For these reasons, this variant has been classified as Pathogenic.